The following is an entry in ClinVar:

NM_019842.4(KCNQ5):c.1790C>T (p.Thr597Ile)

Gene: KCNQ5 (potassium voltage-gated channel subfamily Q member 5; plus strand). Cytogenetic location: 6q13.
Variant type: single nucleotide variant.
Coding change: c.1790C>T on transcript NM_019842.4 (MANE Select); coding-DNA position 1790, C replaced by T.
Protein change: p.Thr597Ile; replaces threonine 597 with isoleucine.
Molecular consequence: missense variant.
Genome position (GRCh38, 1-based): chr6:73,192,645, C>T. VCF-style: chr6-73192645-C-T. GRCh37 (hg19) VCF-style: chr6-73902368-C-T.
Other names: c.1763C>T, p.Thr588Ile (NM_001160130.2); c.1820C>T, p.Thr607Ile (NM_001160132.2); c.1847C>T, p.Thr616Ile (NM_001160133.2); c.1460C>T, p.Thr487Ile (NM_001160134.2); c.1847C>T (NM_001160133.1); short protein forms T616I, T487I, T597I, T588I, T607I.
Identifiers: ClinVar variation 1432770 (VCV001432770.9), dbSNP rs1018524164, ClinGen allele CA140916105.
Genomic context (GRCh38, chr6:73,192,645, plus strand): 5'-AAGGGCAAATCACATCAGATAAGAAGAGCCGAGAGAAAATAACAGCAGAACATGAGACCA[C>T]AGACGATCTCAGTATGCTCGGTCGGGTGGTCAAGGTTGAAAAACAGGTACAACTCAACTA-3'
Protein context (NP_062816.2, residues 587-607): REKITAEHET[Thr597Ile]DDLSMLGRVV

ClinVar aggregate classification (germline): Uncertain significance. Review status: criteria provided, multiple submitters, no conflicts (2 of 4 stars). 2 submissions from 2 submitters: Uncertain significance (2). Last evaluated 2025-08-09.

Conditions:
Inborn genetic diseases. Identifiers: MedGen C0950123, MeSH D030342.

Submissions (2):

Labcorp Genetics (formerly Invitae), Labcorp
Classification: Uncertain significance. Last evaluated: 2025-08-09. Review status: criteria provided, single submitter. Criteria: Invitae Variant Classification Sherloc (09022015). Collection method: clinical testing. Allele origin: germline.
Comment: This sequence change replaces threonine, which is neutral and polar, with isoleucine, which is neutral and non-polar, at codon 616 of the KCNQ5 protein (p.Thr616Ile). This variant is not present in population databases (gnomAD no frequency). This variant has not been reported in the literature in individuals affected with KCNQ5-related conditions. ClinVar contains an entry for this variant (Variation ID: 1432770). Invitae Evidence Modeling of protein sequence and biophysical properties (such as structural, functional, and spatial information, amino acid conservation, physicochemical variation, residue mobility, and thermodynamic stability) indicates that this missense variant is not expected to disrupt KCNQ5 protein function with a negative predictive value of 80%. In summary, the available evidence is currently insufficient to determine the role of this variant in disease. Therefore, it has been classified as a Variant of Uncertain Significance.

Ambry Genetics
Classification: Uncertain significance for Inborn genetic diseases. Last evaluated: 2022-12-01. Review status: criteria provided, single submitter. Criteria: Ambry Variant Classification Scheme 2023. Collection method: clinical testing. Allele origin: germline.